The following is an entry in ClinVar:

ClinVar aggregate classification (germline): Uncertain significance (1 of 4 stars; one submission).

Conditions:
Autoimmune interstitial lung disease-arthritis syndrome. Also called: Autoinflammation and autoimmunity, systemic, with immune dysregulation. Identifiers: Orphanet 444092, MedGen C5975714, MONDO:0014629.

Allele frequency attached by ClinVar (database versions not stated): gnomAD exomes below 0.00001.

Submission:

Labcorp Genetics (formerly Invitae), Labcorp
Classification: Uncertain significance for Autoimmune interstitial lung disease-arthritis syndrome. Last evaluated: 2020-01-01. Review status: criteria provided, single submitter. Criteria: Invitae Variant Classification Sherloc (09022015). Collection method: clinical testing. Allele origin: germline.
Comment: In summary, the available evidence is currently insufficient to determine the role of this variant in disease. Therefore, it has been classified as a Variant of Uncertain Significance. Nucleotide substitutions within the consensus splice site are a relatively common cause of aberrant splicing (PMID: 17576681, 9536098). Algorithms developed to predict the effect of sequence changes on RNA splicing suggest that this variant is not likely to affect RNA splicing, but this prediction has not been confirmed by published transcriptional studies. This variant has not been reported in the literature in individuals with COPA-related conditions. This variant is not present in population databases (ExAC no frequency). This sequence change falls in intron 14 of the COPA gene. It does not directly change the encoded amino acid sequence of the COPA protein, but it affects a nucleotide within the consensus splice site of the intron.

Literature cited by the submitters: PubMed 17576681; PubMed 9536098.

NM_004371.4(COPA):c.1303-3C>T

Gene: COPA (coat protein complex I subunit alpha; minus strand). Cytogenetic location: 1q23.2.
Variant type: single nucleotide variant.
Coding change: c.1303-3C>T on transcript NM_004371.4 (MANE Select); 3 bases into the intron before coding-DNA position 1303, C replaced by T.
Molecular consequence: intron variant.
Genome position (GRCh38, 1-based): chr1:160,306,496, G>A on the plus strand (C>T on the coding strand, the complement: COPA is on the minus strand). VCF-style: chr1-160306496-G-A. GRCh37 (hg19) VCF-style: chr1-160276286-G-A.
Other names: c.1303-3C>T (NM_001098398.2).
Identifiers: ClinVar variation 1001671 (VCV001001671.9), dbSNP rs1658789926, ClinGen allele CA1202264848.